The following is an entry in ClinVar:

ClinVar aggregate classification (germline): Uncertain significance (1 of 4 stars; one submission).

gnomAD v4.1: 22 of 1,614,040 alleles (0.0014%); highest among the groups gnomAD compares: African/African-American, 0.011%; no homozygotes.

Submission:

GeneDx
Classification: Uncertain significance. Last evaluated: 2023-06-26. Review status: criteria provided, single submitter. Criteria: GeneDx Variant Classification Process June 2021. Collection method: clinical testing. Allele origin: germline. Affected: yes.
Comment: In silico analysis supports that this missense variant does not alter protein structure/function; Has not been previously published as pathogenic or benign to our knowledge

NM_025216.3(WNT10A):c.152C>G (p.Pro51Arg)

Gene: WNT10A (Wnt family member 10A; plus strand). Cytogenetic location: 2q35.
Variant type: single nucleotide variant.
Coding change: c.152C>G on transcript NM_025216.3 (MANE Select); coding-DNA position 152, C replaced by G.
Protein change: p.Pro51Arg; replaces proline 51 with arginine.
Molecular consequence: missense variant.
Genome position (GRCh38, 1-based): chr2:218,882,199, C>G. VCF-style: chr2-218882199-C-G. GRCh37 (hg19) VCF-style: chr2-219746921-C-G.
Other names: short protein forms P51R.
Identifiers: ClinVar variation 3360178 (VCV003360178.1).